The following is an entry in ClinVar:

ClinVar aggregate classification (germline): Uncertain significance. Review status: criteria provided, single submitter (1 of 4 stars). 2 submissions from 2 submitters: Uncertain significance (1). 1 of the submissions does not count toward it. Last evaluated 2025-08-30.

Conditions:
Inborn genetic diseases. Identifiers: MedGen C0950123, MeSH D030342.

Submissions (2):

Ambry Genetics
Classification: Uncertain significance for Inborn genetic diseases. Last evaluated: 2025-08-30. Review status: criteria provided, single submitter. Criteria: Ambry Variant Classification Scheme 2023. Collection method: clinical testing. Allele origin: germline.
Comment: The p.D110G variant (also known as c.329A>G), located in coding exon 2 of the ANKRD26 gene, results from an A to G substitution at nucleotide position 329. The aspartic acid at codon 110 is replaced by glycine, an amino acid with similar properties. This amino acid position is conserved. In addition, the in silico prediction for this alteration is inconclusive. Based on the available evidence, the clinical significance of this variant remains unclear.

Genetic Services Laboratory, University of Chicago
Classification: Uncertain significance. Last evaluated: 2022-12-12. Review status: no assertion criteria provided. Collection method: clinical testing. Allele origin: germline. Affected: no. Not counted in ClinVar's aggregate classification.
Comment: DNA sequence analysis of the ANKRD26 gene demonstrated a sequence change, c.329A>G, in exon 2 that results in an amino acid change, p.Asp110Gly. This sequence change does not appear to have been previously described in individuals with ANKRD26-related disorders and has also not been described in population databases such as ExAC and gnomAD. The p.Asp110Gly change affects a moderately conserved amino acid residue located in a domain of the ANKRD26 protein that is known to be functional. The p.Asp110Gly substitution appears to be deleterious using several in-silico pathogenicity prediction tools (SIFT, PolyPhen2, REVEL). Due to insufficient evidences and the lack of functional studies, the clinical significance of the p.Asp110Gly change remains unknown at this time.

NM_014915.3(ANKRD26):c.329A>G (p.Asp110Gly)

Gene: ANKRD26 (ankyrin repeat domain containing 26; minus strand). Cytogenetic location: 10p12.1.
Variant type: single nucleotide variant.
Coding change: c.329A>G on transcript NM_014915.3 (MANE Select); coding-DNA position 329, A replaced by G.
Protein change: p.Asp110Gly; replaces aspartic acid 110 with glycine.
Molecular consequence: missense variant.
Genome position (GRCh38, 1-based): chr10:27,093,713, T>C on the plus strand (A>G on the coding strand, the complement: ANKRD26 is on the minus strand). VCF-style: chr10-27093713-T-C. GRCh37 (hg19) VCF-style: chr10-27382642-T-C.
Other names: c.329A>G, p.Asp110Gly (NM_001256053.2); short protein forms D110G.
Identifiers: ClinVar variation 2443175 (VCV002443175.3), dbSNP rs2539291355, ClinGen allele CA376368499.
Genomic context (GRCh38, chr10:27,093,713, plus strand): 5'-ATCTGATGCTGAAAGAGCTGGCTACTATATACCTTCATCAGAGCTGTCCTGTTTTCGTTG[T>C]CACAGACATTGAGCTGGCATTTTCTGTCCACCAGGAGAGTTACTACTTCTGGATGACCAT-3'
Protein context (NP_055730.2, residues 100-120): VDRKCQLNVC[Asp110Gly]NENRTALMKA